The following is an entry in ClinVar:

ClinVar aggregate classification (germline): Conflicting classifications of pathogenicity. Review status: criteria provided, conflicting classifications (1 of 4 stars). 3 submissions from 3 submitters: Uncertain significance (2); Likely benign (1). Last evaluated 2025-01-10.

Conditions:
Hereditary breast ovarian cancer syndrome. Also called: Hereditary breast and ovarian cancer syndrome; Hereditary breast and ovarian cancer; Hereditary breast and ovarian cancer syndrome (HBOC); Breast and ovarian cancer; Hereditary breast and/or ovarian cancer syndrome; BRCA1- and BRCA2-Associated Hereditary Breast and Ovarian Cancer. Identifiers: Orphanet 145, MedGen C0677776, MeSH D061325, MONDO:0003582. Disease mechanism: loss of function.
Hereditary cancer-predisposing syndrome. Also called: Neoplastic Syndromes, Hereditary; Tumor predisposition; Hereditary Cancer Syndrome; Hereditary neoplastic syndrome. Identifiers: Orphanet 140162, MedGen C0027672, MeSH D009386, MONDO:0015356.

Submissions (3):

Ambry Genetics
Classification: Uncertain significance for Hereditary cancer-predisposing syndrome. Last evaluated: 2025-01-10. Review status: criteria provided, single submitter. Criteria: Ambry Variant Classification Scheme 2023. Collection method: clinical testing. Allele origin: germline.
Comment: The p.G664A variant (also known as c.1991G>C), located in coding exon 10 of the BRCA2 gene, results from a G to C substitution at nucleotide position 1991. The glycine at codon 664 is replaced by alanine, an amino acid with similar properties. This amino acid position is not well conserved in available vertebrate species. In addition, this alteration is predicted to be tolerated by in silico analysis. Since supporting evidence is limited at this time, the clinical significance of this alteration remains unclear.

Labcorp Genetics (formerly Invitae), Labcorp
Classification: Uncertain significance for Hereditary breast ovarian cancer syndrome. Last evaluated: 2023-12-05. Review status: criteria provided, single submitter. Criteria: Invitae Variant Classification Sherloc (09022015). Collection method: clinical testing. Allele origin: germline.
Comment: This sequence change replaces glycine, which is neutral and non-polar, with alanine, which is neutral and non-polar, at codon 664 of the BRCA2 protein (p.Gly664Ala). This variant is not present in population databases (gnomAD no frequency). This variant has not been reported in the literature in individuals affected with BRCA2-related conditions. ClinVar contains an entry for this variant (Variation ID: 485440). Advanced modeling of protein sequence and biophysical properties (such as structural, functional, and spatial information, amino acid conservation, physicochemical variation, residue mobility, and thermodynamic stability) performed at Invitae indicates that this missense variant is not expected to disrupt BRCA2 protein function with a negative predictive value of 95%. In summary, the available evidence is currently insufficient to determine the role of this variant in disease. Therefore, it has been classified as a Variant of Uncertain Significance.

University of Washington Department of Laboratory Medicine, University of Washington
Classification: Likely benign for Hereditary cancer-predisposing syndrome. Last evaluated: 2023-03-23. Review status: criteria provided, single submitter. Criteria: Dines et al. (Genet Med. 2020). Collection method: curation. Allele origin: germline.
Comment: Missense variant in a coldspot region where missense variants are very unlikely to be pathogenic (PMID:31911673).

BRCA2 exon 11 coldspot. Reclassification based on statistical prior probability.

NM_000059.4(BRCA2):c.1991G>C (p.Gly664Ala)

Gene: BRCA2 (BRCA2 DNA repair associated; plus strand). Cytogenetic location: 13q13.1.
Variant type: single nucleotide variant.
Coding change: c.1991G>C on transcript NM_000059.4 (MANE Select); coding-DNA position 1991, G replaced by C.
Protein change: p.Gly664Ala; replaces glycine 664 with alanine.
Molecular consequence: missense variant.
Genome position (GRCh38, 1-based): chr13:32,336,346, G>C. VCF-style: chr13-32336346-G-C. GRCh37 (hg19) VCF-style: chr13-32910483-G-C.
Other names: short protein forms G664A.
Identifiers: ClinVar variation 485440 (VCV000485440.17), dbSNP rs1555282391, ClinGen allele CA387768655.